The following is an entry in ClinVar:

NM_015335.5(MED13L):c.3583C>T (p.Gln1195Ter)

Gene: MED13L (mediator complex subunit 13L; minus strand). Cytogenetic location: 12q24.21.
Variant type: single nucleotide variant.
Coding change: c.3583C>T on transcript NM_015335.5 (MANE Select); coding-DNA position 3583, C replaced by T.
Protein change: p.Gln1195Ter; replaces glutamine 1195 with a stop codon.
Molecular consequence: nonsense.
Genome position (GRCh38, 1-based): chr12:115,991,371, G>A on the plus strand (C>T on the coding strand, the complement: MED13L is on the minus strand). VCF-style: chr12-115991371-G-A. GRCh37 (hg19) VCF-style: chr12-116429176-G-A.
Other names: short protein forms Q1195*.
Identifiers: ClinVar variation 4538507 (VCV004538507.2).

ClinVar aggregate classification (germline): Likely pathogenic (1 of 4 stars; one submission).

Conditions:
Cardiac anomalies - developmental delay - facial dysmorphism syndrome (MRFACD). Also called: MED13L Syndrome; Impaired intellectual development and distinctive facial features with or without cardiac defects. Identifiers: Orphanet 369891, MedGen C5192431, MONDO:0014773, OMIM 616789.

Submission:

The Central Laboratory of Birth Defects Prevention and Control, The Affiliated Women and Children's Hospital of Ningbo University
Classification: Likely pathogenic for Cardiac anomalies - developmental delay - facial dysmorphism syndrome. Last evaluated: 2025-11-28. Review status: criteria provided, single submitter. Criteria: ACMG Guidelines, 2015. Collection method: clinical testing. Allele origin: de novo. Affected: yes.
Comment: The MED13L c.3583C>T is a nonsense variant and located in exon 17 (a total of 31 exons) of NM_015335.5 transcript. Loss of function is known mechanisms of related diseases in MED13L gene (ClinGen HI value = 3). This variant is not observed at significant frequency in large population cohorts (gnomAD). In summary, this variant has been classified as Likely Pathogenic.